The following is an entry in ClinVar:

ClinVar aggregate classification (germline): Benign/Likely benign. Review status: criteria provided, multiple submitters, no conflicts (2 of 4 stars). 4 submissions from 4 submitters: Benign (2); Likely benign (2). Last evaluated 2024-10-07.

Conditions:
Inborn genetic diseases. Identifiers: MedGen C0950123, MeSH D030342.

Allele frequency attached by ClinVar (database versions not stated): gnomAD 0.00309 and 0.00285; TOPMed 0.00314; ESP Exome Variant Server 0.00370; gnomAD exomes 0.00026 and 0.00074; ExAC 0.00089; 1000 Genomes Project 30x 0.00125; 1000 Genomes Project 0.00140.
gnomAD v4.1: 823 of 1,613,690 alleles (0.051%); highest among the groups gnomAD compares: African/African-American, 1%; 4 homozygotes.

Submissions (4):

Blueprint Genetics
Classification: Likely benign. Last evaluated: 2024-10-07. Review status: criteria provided, single submitter. Criteria: ACMG Guidelines, 2015. Collection method: clinical testing. Allele origin: germline.

Labcorp Genetics (formerly Invitae), Labcorp
Classification: Benign. Last evaluated: 2024-03-18. Review status: criteria provided, single submitter. Criteria: Invitae Variant Classification Sherloc (09022015). Collection method: clinical testing. Allele origin: germline.

Ambry Genetics
Classification: Likely benign for Inborn genetic diseases. Last evaluated: 2023-01-18. Review status: criteria provided, single submitter. Criteria: Ambry Variant Classification Scheme 2023. Collection method: clinical testing. Allele origin: germline.

CeGaT Center for Human Genetics Tuebingen
Classification: Benign. Last evaluated: 2023-01-01. Review status: criteria provided, single submitter. Criteria: CeGaT Center For Human Genetics Tuebingen Variant Classification Criteria Version 2. Collection method: clinical testing. Allele origin: germline. Affected: yes. Observed: 1 variant allele.
Comment: CC2D1A: BP4, BS1, BS2

NM_017721.5(CC2D1A):c.698C>T (p.Ala233Val)

Gene: CC2D1A (coiled-coil and C2 domain containing 1A; plus strand). Cytogenetic location: 19p13.12.
Variant type: single nucleotide variant.
Coding change: c.698C>T on transcript NM_017721.5 (MANE Select); coding-DNA position 698, C replaced by T.
Protein change: p.Ala233Val; replaces alanine 233 with valine.
Molecular consequence: missense variant.
Genome position (GRCh38, 1-based): chr19:13,913,588, C>T. VCF-style: chr19-13913588-C-T. GRCh37 (hg19) VCF-style: chr19-14024401-C-T.
Other names: short protein forms A233V.
Identifiers: ClinVar variation 588433 (VCV000588433.36), dbSNP rs181548764, ClinGen allele CA9244383.